The following is an entry in ClinVar:

ClinVar aggregate classification (germline): Conflicting classifications of pathogenicity. Review status: criteria provided, conflicting classifications (1 of 4 stars). 20 submissions from 20 submitters: Likely pathogenic (8); Uncertain significance (8). 4 of the submissions do not count toward it. Last evaluated 2026-09-01.

Conditions:
Autoinflammatory syndrome. Identifiers: Orphanet 93665, MedGen C3890737, MONDO:0019751.
Familial Mediterranean fever, autosomal dominant. Also called: Dominant Familial Mediterranean Fever; FMF, AUTOSOMAL DOMINANT. Identifiers: Orphanet 342, MedGen C1851347, MONDO:0007601, OMIM 134610.
Acute febrile neutrophilic dermatosis (AFND). Also called: Gomm Button disease; Sweet Syndrome. Identifiers: Orphanet 3243, MedGen C0085077, MONDO:0011959, OMIM 608068.
Familial Mediterranean fever (FMF). Also called: Periodic peritonitis; Benign paroxysmal peritonitis; POLYSEROSITIS, FAMILIAL PAROXYSMAL; POLYSEROSITIS, RECURRENT. Identifiers: Orphanet 342, MedGen C0031069, MONDO:0018088, OMIM 249100. Disease mechanism: gain of function.

Allele frequency attached by ClinVar (database versions not stated): gnomAD 0.00003 and 0.00004; gnomAD exomes 0.00004 and 0.00003; ExAC 0.00003; TOPMed 0.00003.
gnomAD v4.1: 48 of 1,571,766 alleles (0.0031%); highest among the groups gnomAD compares: Middle Eastern, 0.038%; no homozygotes.

Submissions 1 to 10 of 20:

CeGaT Center for Human Genetics Tuebingen
Classification: Likely pathogenic. Last evaluated: 2026-09-01. Review status: criteria provided, single submitter. Criteria: CeGaT Center For Human Genetics Tuebingen Variant Classification Criteria Version 2. Collection method: clinical testing. Allele origin: germline. Affected: yes. Observed: 11 variant alleles.
Comment: MEFV: PM3:Very Strong, PM2, BP4

Women's Health and Genetics/Laboratory Corporation of America, LabCorp
Classification: Uncertain significance. Last evaluated: 2026-06-02. Review status: criteria provided, single submitter. Criteria: LabCorp Variant Classification Summary - May 2015. Collection method: clinical testing. Allele origin: germline.
Comment: Variant summary: MEFV c.501G>C (p.Glu167Asp) results in a conservative amino acid change in the encoded protein sequence. Algorithms developed to predict the effect of missense changes on protein structure and function are either unavailable or do not agree on the potential impact of this missense change. The variant allele was found at a frequency of 4.4e-05 in 182315 control chromosomes. c.501G>C (p.E167D) is often observed in the same chromosome (in cis) with c.1437C>G (p.Phe479Leu) forming a complex allele p.[E167D;F479L]. Nevertheless, E167D has also been reported in the literature as a variant in isolation in homozygous or compound heterozygous state, in a few individuals affected with Familial Mediterranean Fever (e.g. Ceylan_2012, Papa_2017, Ustek_2008, Bozgeyik_2020). These data indicate that the variant is likely to be associated with disease. In 2012, an international consortium of experts reached a consensus (as part of an agreed set of best practice guidelines) to test for 14 MEFV variants, nine of which were considered pathogenic (including E167D) and 5 of unknown significance (Shinar_2012). In addition, in 2018 the experts international study group for systemic autoinflammatory diseases (INSAID) agreed in a consensus classification of (provisional) likely pathogenic for the variant (Van Gijn_2018). To our knowledge, no experimental evidence demonstrating an impact on protein function has been reported. The following publications have been ascertained in the context of this evaluation (PMID: 10090880, 23463692, 21413889, 9668175, 19863562, 32199921, 10364520, 22614345, 12180071, 10842288, 26003477, 39897620, 39150338, 26247045, 17489852, 38570934, 11175300, 10737992, 29178647, 25708585, 25393764, 24469716, 29047407, 34120219, 22661645, 19026119, 29599418).ClinVar contains an entry for this variant (Variation ID: 2543). Based on the evidence outlined above, the variant was classified as VUS-possibly pathogenic.

Division of Clinical Immunology and Allergy, Necmettin Erbakan University, Faculty of Medicine
Classification: Likely pathogenic for Familial Mediterranean fever; Familial Mediterranean fever, autosomal dominant; Acute febrile neutrophilic dermatosis. Last evaluated: 2026-05-14. Review status: criteria provided, single submitter. Criteria: ACMG Guidelines, 2015. Collection method: clinical testing. Allele origin: germline. Observed: 1 variant allele.

Labcorp Genetics (formerly Invitae), Labcorp
Classification: Uncertain significance for Familial Mediterranean fever. Last evaluated: 2025-11-21. Review status: criteria provided, single submitter. Criteria: Invitae Variant Classification Sherloc (09022015). Collection method: clinical testing. Allele origin: germline.
Comment: This sequence change replaces glutamic acid, which is acidic and polar, with aspartic acid, which is acidic and polar, at codon 167 of the MEFV protein (p.Glu167Asp). This variant is present in population databases (rs104895079, gnomAD 0.01%). This variant has been observed frequently in cis (on the same chromosome) with the MEFV p.Phe479Leu variant in individuals with MEFV-related disorders with variable phenotypes and a wide range of severity (including asymptomatic individuals) (PMID: 9668175, 11175300, 12180071, 25708585, 25393764, 21413889, 26351556, 24469716, 29178647). In some of these individuals, an additional MEFV variant was not identified on the opposite allele, while in others, multiple additional MEFV variants were identified. Segregation studies have not been reported for this variant. ClinVar contains an entry for this variant (Variation ID: 2543). ClinVar contains an entry for this variant (Variation ID: 2543). An algorithm developed to predict the effect of missense changes on protein structure and function (PolyPhen-2) suggests that this variant is likely to be disruptive. In summary, the available evidence is currently insufficient to determine the role of this variant in disease. Therefore, it has been classified as a Variant of Uncertain Significance.

Natera, Inc.
Classification: Likely pathogenic for Familial Mediterranean fever. Last evaluated: 2025-06-27. Review status: criteria provided, single submitter. Criteria: Natera Variant Classification Schema (03/2026). Collection method: clinical testing. Allele origin: germline.
Comment: The c.501G>C variant in MEFV is a missense variant predicted to cause substitution of glutamic acid to aspartic acid at amino acid 167. This variant is rare in the general population with a frequency below the threshold expected for the associated phenotype(s). This variant has been observed in one or more individuals affected with the associated recessive disease, as either homozygous or compound heterozygous with a second variant (PMID: 33165748, 25810876, 31524848, 31989427). Given the available evidence, this variant is classified as Likely Pathogenic.

GeneDx
Classification: Uncertain significance. Last evaluated: 2025-04-02. Review status: criteria provided, single submitter. Criteria: GeneDx Variant Classification Process June 2021. Collection method: clinical testing. Allele origin: germline. Affected: yes.
Comment: Occurs frequently with the F479L variant, usually proven to be on the same allele (in cis) and often considered a complex allele (PMID: 9668175, 19863562, 32199921, 22614345); In silico analysis indicates that this missense variant does not alter protein structure/function; This variant is associated with the following publications: (PMID: 25393764, 11175300, 32199921, 19863562, 17489852, 22614345, 24469716, 15024744, 29178647, 10090880, 18609258, 25708585, 34426522, 35831068, Chirita2022[PrePrint], 34120219, Ahmed2022[Article], 33079202, 32921628, 36249512, 36223753, Altamimi2022[Preprint], Sav2022[Preprint], 33611656, 35110061, 26351556, Gungorer2022[Article], 21413889, 12180071, 19026119, 29047407, 33738724, 33733382, 26003477, 22661645, 10842288, 10737992, 10364520, 39581688, 39042260, 26247045, 36725780, 37773839, 29599418, 33165748, 39462592, 36966139, 9668175)

Blueprint Genetics
Classification: Uncertain significance. Last evaluated: 2024-11-26. Review status: criteria provided, single submitter. Criteria: ACMG Guidelines, 2015. Collection method: clinical testing. Allele origin: germline.

Fulgent Genetics
Classification: Likely pathogenic for Familial Mediterranean fever, autosomal dominant; Familial Mediterranean fever; Acute febrile neutrophilic dermatosis. Last evaluated: 2024-03-06. Review status: criteria provided, single submitter. Criteria: ACMG Guidelines, 2015. Collection method: clinical testing. Allele origin: germline.

Baylor Genetics
Classification: Uncertain significance for Familial Mediterranean fever, autosomal dominant. Last evaluated: 2022-10-24. Review status: criteria provided, single submitter. Criteria: ACMG Guidelines, 2015. Collection method: clinical testing. Allele origin: unknown.

MGZ Medical Genetics Center
Classification: Likely pathogenic for Familial Mediterranean fever. Last evaluated: 2022-03-02. Review status: criteria provided, single submitter. Criteria: ACMG Guidelines, 2015. Collection method: clinical testing. Allele origin: germline. Affected: yes. Observed: 1 variant allele.
Comment: ACMG criteria applied: PS4, PM3, PM2_SUP

NM_000243.3(MEFV):c.501G>C (p.Glu167Asp)

Gene: MEFV (MEFV innate immunity regulator, pyrin; minus strand). Cytogenetic location: 16p13.3.
Variant type: single nucleotide variant.
Coding change: c.501G>C on transcript NM_000243.3 (MANE Select); coding-DNA position 501, G replaced by C.
Protein change: p.Glu167Asp; replaces glutamic acid 167 with aspartic acid.
Molecular consequence: missense variant. On other transcripts: intron variant (1).
Genome position (GRCh38, 1-based): chr16:3,254,567, C>G on the plus strand (G>C on the coding strand, the complement: MEFV is on the minus strand). VCF-style: chr16-3254567-C-G. GRCh37 (hg19) VCF-style: chr16-3304567-C-G.
Other names: c.277+1744G>C (NM_001198536.2); short protein forms E167D.
Identifiers: ClinVar variation 2543 (VCV000002543.80), dbSNP rs104895079, ClinGen allele CA280099.
Genomic context (GRCh38, chr16:3,254,567, plus strand): 5'-GCTTCTCCCGCCCGGCAGGGCCGGGCTCCGGGTCCGAGGCTTGCCCTGCGCGTCCAGGCC[C>G]TCCGAGGCCTTCTCTCTGCGTTTGCTCAGGGGCTTCCTCGACAGCCCCCTCCCGGCCTCG-3'
Protein context (NP_000234.1, residues 157-177): PLSKRREKAS[Glu167Asp]GLDAQGKPRT